The following is an entry in ClinVar:

NM_000312.4(PROC):c.552_553insTT (p.Arg185fs)

Gene: PROC (protein C, inactivator of coagulation factors Va and VIIIa; plus strand). Cytogenetic location: 2q14.3.
Variant type: Insertion.
Coding change: c.552_553insTT on transcript NM_000312.4 (MANE Select); coding-DNA positions 552 to 553, TT inserted.
Protein change: p.Arg185fs; shifts the reading frame from arginine 185.
Molecular consequence: frameshift variant.
Genome position: GRCh38 VCF-style: chr2-127426101-G-GTT. GRCh37 (hg19) VCF-style: chr2-128183677-G-GTT.
Other names: c.735_736insTT, p.Arg246fs (NM_001375602.1); c.717_718insTT, p.Arg240fs (NM_001375603.1); c.615_616insTT, p.Arg206fs (NM_001375604.1); c.654_655insTT, p.Arg219fs (NM_001375605.1); c.720_721insTT, p.Arg241fs (NM_001375606.1); c.738_739insTT, p.Arg247fs (NM_001375607.1); c.495_496insTT, p.Arg166fs (NM_001375608.1); c.528_529insTT, p.Arg177fs (NM_001375609.1); and 2 more; short protein forms R185fs, R166fs, R177fs, R183fs, R206fs, R219fs, R240fs, R241fs.
Identifiers: ClinVar variation 672 (VCV000000672.4), dbSNP rs1558715857, ClinGen allele CA891842726.

ClinVar aggregate classification (germline): Pathogenic. Review status: criteria provided, single submitter (1 of 4 stars). 2 submissions from 2 submitters: Pathogenic (1). 1 of the submissions does not count toward it. Last evaluated 2023-07-09.

Conditions:
Thrombophilia due to protein C deficiency, autosomal dominant. Also called: PROC DEFICIENCY, AUTOSOMAL DOMINANT; PROTEIN C DEFICIENCY, AUTOSOMAL DOMINANT. Identifiers: Orphanet 745, MedGen C2674321, MONDO:0008316, OMIM 176860. Disease mechanism: loss of function.

Allele frequency attached by ClinVar (database versions not stated): gnomAD exomes below 0.00001.

Submissions (2):

Labcorp Genetics (formerly Invitae), Labcorp
Classification: Pathogenic for Thrombophilia due to protein C deficiency, autosomal dominant. Last evaluated: 2023-07-09. Review status: criteria provided, single submitter. Criteria: Invitae Variant Classification Sherloc (09022015). Collection method: clinical testing. Allele origin: germline.
Comment: For these reasons, this variant has been classified as Pathogenic. Algorithms developed to predict the effect of sequence changes on RNA splicing suggest that this variant may disrupt the consensus splice site. ClinVar contains an entry for this variant (Variation ID: 672). This variant is also known as 6139,ins TT. This premature translational stop signal has been observed in individual(s) with Protein C deficiency disease (PMID: 1301954). This variant is not present in population databases (gnomAD no frequency). This sequence change creates a premature translational stop signal (p.Arg185Leufs*14) in the PROC gene. It is expected to result in an absent or disrupted protein product. Loss-of-function variants in PROC are known to be pathogenic (PMID: 17152060).

OMIM
Classification: Pathogenic for THROMBOPHILIA DUE TO PROTEIN C DEFICIENCY, AUTOSOMAL DOMINANT. Last evaluated: 1992-01-01. Review status: no assertion criteria provided. Collection method: literature only. Allele origin: germline. Not counted in ClinVar's aggregate classification.

Literature cited by the submitters: PubMed 1301954 (cited by Labcorp Genetics (formerly Invitae), Labcorp and OMIM); PubMed 17152060 (cited by Labcorp Genetics (formerly Invitae), Labcorp).